The following is an entry in ClinVar:

ClinVar aggregate classification (germline): Uncertain significance. Review status: criteria provided, multiple submitters, no conflicts (2 of 4 stars). 2 submissions from 2 submitters: Uncertain significance (2). Last evaluated 2025-03-04.

Conditions:
Familial adenomatous polyposis 1 (FAP1). Also called: FAMILIAL ADENOMATOUS POLYPOSIS 1, ATTENUATED; POLYPOSIS, ADENOMATOUS INTESTINAL. Identifiers: MedGen C2713442, MONDO:0021056, OMIM 175100. Disease mechanism: loss of function.

Submissions (2):

Center for Genomic Medicine, Rigshospitalet, Copenhagen University Hospital
Classification: Uncertain significance. Last evaluated: 2025-03-04. Review status: criteria provided, single submitter. Criteria: ACMG Guidelines, 2015. Collection method: clinical testing. Allele origin: germline.

Labcorp Genetics (formerly Invitae), Labcorp
Classification: Uncertain significance for Familial adenomatous polyposis 1. Last evaluated: 2023-08-16. Review status: criteria provided, single submitter. Criteria: Invitae Variant Classification Sherloc (09022015). Collection method: clinical testing. Allele origin: germline.
Comment: In summary, the available evidence is currently insufficient to determine the role of this variant in disease. Therefore, it has been classified as a Variant of Uncertain Significance. Experimental studies and prediction algorithms are not available or were not evaluated, and the functional significance of this variant is currently unknown. This variant has not been reported in the literature in individuals affected with APC-related conditions. This variant is not present in population databases (gnomAD no frequency). This variant occurs in a non-coding region of the APC gene. It does not change the encoded amino acid sequence of the APC protein.

Literature cited by the submitters: PubMed 27087319 (cited by Center for Genomic Medicine, Rigshospitalet, Copenhagen University Hospital).

NM_001127511.3(APC):c.-182G>A

Genes: APC (APC regulator of Wnt signaling pathway; plus strand), LOC129994371 (ATAC-STARR-seq lymphoblastoid active region 22910; plus strand). Cytogenetic location: 5q22.2.
Variant type: single nucleotide variant.
Coding change: c.-182G>A on transcript NM_001127511.3; 182 bases upstream of the start codon, G replaced by A.
Molecular consequence: 5 prime UTR variant. On other transcripts: non-coding transcript variant (2).
Genome position (GRCh38, 1-based): chr5:112,707,536, G>A. VCF-style: chr5-112707536-G-A. GRCh37 (hg19) VCF-style: chr5-112043233-G-A.
Other names: c.-365G>A (NM_001354895.2, NM_001407447.1, NM_001407452.1 and 3 more transcripts); c.-182G>A (NM_001354897.2, NM_001354902.2, NM_001407446.1); c.-132G>A (NM_001407448.1, NM_001407450.1, NM_001407457.1 and 1 more transcripts); c.-156G>A (NM_001407453.1); c.-1400G>A (NM_001407470.1, NM_001407472.1).
Identifiers: ClinVar variation 1053386 (VCV001053386.11), dbSNP rs1554060189, ClinGen allele CA2499217384.